The following is an entry in ClinVar:

ClinVar aggregate classification (germline): Uncertain significance (1 of 4 stars; one submission).

gnomAD v4.1: 1 of 1,612,874 alleles (0.000062%); highest among the groups gnomAD compares: South Asian, 0.0011%; no homozygotes.

Submission:

Labcorp Genetics (formerly Invitae), Labcorp
Classification: Uncertain significance. Last evaluated: 2025-07-15. Review status: criteria provided, single submitter. Criteria: Invitae Variant Classification Sherloc (09022015). Collection method: clinical testing. Allele origin: germline.
Comment: This sequence change replaces valine, which is neutral and non-polar, with glycine, which is neutral and non-polar, at codon 293 of the COL9A3 protein (p.Val293Gly). This variant is not present in population databases (gnomAD no frequency). This variant has not been reported in the literature in individuals affected with COL9A3-related conditions. Invitae Evidence Modeling of protein sequence and biophysical properties (such as structural, functional, and spatial information, amino acid conservation, physicochemical variation, residue mobility, and thermodynamic stability) indicates that this missense variant is not expected to disrupt COL9A3 protein function with a negative predictive value of 95%. In summary, the available evidence is currently insufficient to determine the role of this variant in disease. Therefore, it has been classified as a Variant of Uncertain Significance.

NM_001853.4(COL9A3):c.878T>G (p.Val293Gly)

Gene: COL9A3 (collagen type IX alpha 3 chain; plus strand). Cytogenetic location: 20q13.33.
Variant type: single nucleotide variant.
Coding change: c.878T>G on transcript NM_001853.4 (MANE Select); coding-DNA position 878, T replaced by G.
Protein change: p.Val293Gly; replaces valine 293 with glycine.
Molecular consequence: missense variant.
Genome position (GRCh38, 1-based): chr20:62,827,954, T>G. VCF-style: chr20-62827954-T-G. GRCh37 (hg19) VCF-style: chr20-61459306-T-G.
Other names: short protein forms V293G.
Identifiers: ClinVar variation 4770593 (VCV004770593.1).